The following is an entry in ClinVar:

ClinVar aggregate classification (germline): Uncertain significance (1 of 4 stars; one submission).

Conditions:
Autoimmune lymphoproliferative syndrome, type III caused by mutation in PRKCD. Identifiers: Orphanet 3261, Orphanet 664711, MedGen C3809928, MONDO:8000024, OMIM 615559.

Allele frequency attached by ClinVar (database versions not stated): gnomAD exomes below 0.00001.
gnomAD v4.1: 1 of 1,614,060 alleles (0.000062%); highest among the groups gnomAD compares: South Asian, 0.0011%; no homozygotes.

Submission:

Labcorp Genetics (formerly Invitae), Labcorp
Classification: Uncertain significance for Autoimmune lymphoproliferative syndrome, type III caused by mutation in PRKCD. Last evaluated: 2024-02-17. Review status: criteria provided, single submitter. Criteria: Invitae Variant Classification Sherloc (09022015). Collection method: clinical testing. Allele origin: germline.
Comment: This sequence change replaces glutamic acid, which is acidic and polar, with lysine, which is basic and polar, at codon 274 of the PRKCD protein (p.Glu274Lys). This variant is present in population databases (no rsID available, gnomAD 0.003%). This variant has not been reported in the literature in individuals affected with PRKCD-related conditions. ClinVar contains an entry for this variant (Variation ID: 1461812). Algorithms developed to predict the effect of missense changes on protein structure and function output the following: SIFT: "Not Available"; PolyPhen-2: "Benign"; Align-GVGD: "Not Available". The lysine amino acid residue is found in multiple mammalian species, which suggests that this missense change does not adversely affect protein function. In summary, the available evidence is currently insufficient to determine the role of this variant in disease. Therefore, it has been classified as a Variant of Uncertain Significance.

NM_006254.4(PRKCD):c.820G>A (p.Glu274Lys)

Gene: PRKCD (protein kinase C delta; plus strand). Cytogenetic location: 3p21.1.
Variant type: single nucleotide variant.
Coding change: c.820G>A on transcript NM_006254.4 (MANE Select); coding-DNA position 820, G replaced by A.
Protein change: p.Glu274Lys; replaces glutamic acid 274 with lysine.
Molecular consequence: missense variant.
Genome position (GRCh38, 1-based): chr3:53,184,906, G>A. VCF-style: chr3-53184906-G-A. GRCh37 (hg19) VCF-style: chr3-53218922-G-A.
Other names: c.820G>A, p.Glu274Lys (NM_001316327.2, NM_001354679.2, NM_001354680.2 and 1 more transcripts); c.877G>A, p.Glu293Lys (NM_001354676.2); c.868G>A, p.Glu290Lys (NM_001354678.2); short protein forms E290K, E293K, E274K.
Identifiers: ClinVar variation 1461812 (VCV001461812.8), dbSNP rs1553668639, ClinGen allele CA353220608.